The following is an entry in ClinVar:

ClinVar aggregate classification (germline): Pathogenic (1 of 4 stars; one submission).

Conditions:
Multiple congenital exostosis (EXT). Also called: MULTIPLE CARTILAGINOUS EXOSTOSES; Hereditary multiple osteochondromas; Multiple osteochondromas; Multiple exostoses; Hereditary multiple exostoses; Hereditary multiple exostosis. Identifiers: Orphanet 321, MedGen C0015306, MONDO:0005508, HP:0002762.

Submission:

Labcorp Genetics (formerly Invitae), Labcorp
Classification: Pathogenic for Multiple congenital exostosis. Last evaluated: 2022-10-14. Review status: criteria provided, single submitter. Criteria: Invitae Variant Classification Sherloc (09022015). Collection method: clinical testing. Allele origin: germline.
Comment: This variant is not present in population databases (gnomAD no frequency). For these reasons, this variant has been classified as Pathogenic. This variant has not been reported in the literature in individuals affected with EXT1-related conditions. This sequence change creates a premature translational stop signal (p.Leu17Phefs*115) in the EXT1 gene. It is expected to result in an absent or disrupted protein product. Loss-of-function variants in EXT1 are known to be pathogenic (PMID: 10679937, 11391482, 19810120).

Literature cited by the submitters: PubMed 10679937; PubMed 11391482; PubMed 19810120.

NM_000127.3(EXT1):c.49_61del (p.Leu17fs)

Gene: EXT1 (exostosin glycosyltransferase 1; minus strand). Cytogenetic location: 8q24.11.
Variant type: Deletion.
Coding change: c.49_61del on transcript NM_000127.3 (MANE Select); coding-DNA positions 49 to 61, 13 bases deleted (CTCGCCCTTTTGT).
Protein change: p.Leu17fs; shifts the reading frame from leucine 17.
Molecular consequence: frameshift variant.
Genome position (GRCh38, 1-based): chr8:118,110,986-118,110,998, ACAAAAGGGCGAG deleted on the plus strand (CTCGCCCTTTTGT on the coding strand, the reverse complement: EXT1 is on the minus strand); deleting any 13 consecutive bases within chr8:118,110,986-118,111,002 gives the same sequence; the c. name uses the placement nearest the transcript's 3' end. VCF-style (leftmost placement, unchanged base first): chr8-118110985-AACAAAAGGGCGAG-A. GRCh37 (hg19) VCF-style: chr8-119123224-AACAAAAGGGCGAG-A.
Other names: short protein forms L17fs.
Identifiers: ClinVar variation 2035619 (VCV002035619.4), dbSNP rs2488053858, ClinGen allele CA2580078567.